The following is an entry in ClinVar:

ClinVar aggregate classification (germline): Conflicting classifications of pathogenicity. Review status: criteria provided, conflicting classifications (1 of 4 stars). 5 submissions from 5 submitters: Uncertain significance (3); Likely benign (2). Last evaluated 2026-01-20.

Conditions:
Osteogenesis imperfecta type 6. Also called: Osteogenesis imperfecta, type VI. Identifiers: Orphanet 666, MedGen C3279564, MONDO:0013515, OMIM 613982.

Allele frequency attached by ClinVar (database versions not stated): TOPMed 0.00052; ExAC 0.00055; ESP Exome Variant Server 0.00062.
gnomAD v4.1: 1,236 of 1,613,758 alleles (0.077%); highest among the groups gnomAD compares: Non-Finnish European, 0.097%; 2 homozygotes.

Submissions (5):

Labcorp Genetics (formerly Invitae), Labcorp
Classification: Likely benign. Last evaluated: 2026-01-20. Review status: criteria provided, single submitter. Criteria: Invitae Variant Classification Sherloc (09022015). Collection method: clinical testing. Allele origin: germline.

Women's Health and Genetics/Laboratory Corporation of America, LabCorp
Classification: Likely benign. Last evaluated: 2026-01-20. Review status: criteria provided, single submitter. Criteria: LabCorp Variant Classification Summary - May 2015. Collection method: clinical testing. Allele origin: germline.
Comment: Variant summary: SERPINF1 c.392C>A (p.Ala131Asp) results in a non-conservative amino acid change in the encoded protein sequence. Algorithms developed to predict the effect of missense changes on protein structure and function all suggest that this variant is likely to be disruptive. The variant allele was found at a frequency of 0.00056 in 251422 control chromosomes, predominantly at a frequency of 0.00098 within the Non-Finnish European subpopulation in the gnomAD database, including one homozygote. This frequency is close to the estimated maximal expected allele frequency for disease-causing variants in SERPINF1. To our knowledge, no experimental evidence demonstrating an impact on protein function has been reported. ClinVar contains an entry for this variant (Variation ID: 891887). Based on the evidence outlined above, the variant was classified as likely benign.

ARUP Laboratories, Molecular Genetics and Genomics, ARUP Laboratories
Classification: Uncertain significance for Osteogenesis imperfecta type 6. Last evaluated: 2024-08-23. Review status: criteria provided, single submitter. Criteria: ARUP Molecular Germline Variant Investigation Process 2024. Collection method: clinical testing. Allele origin: germline.
Comment: The SERPINF1 c.392C>A; p.Ala131Asp variant (rs148005190) is reported in the literature in individuals affected with otosclerosis as well as healthy controls (Valgaeren 2019, Ziff 2016), although it has not been reported in association with osteogenesis imperfecta, to our knowledge. This variant is found in the non-Finnish European population with an allele frequency of 0.09% (116/129,066 alleles, including one homozygote) in the Genome Aggregation Database (v2.1.1). Computational analyses are uncertain whether this variant is neutral or deleterious (REVEL: 0.335). Due to limited information, the clinical significance of this variant is uncertain at this time. References: Valgaeren H et al. Insufficient evidence for a role of SERPINF1 in otosclerosis. Mol Genet Genomics. 2019 Aug;294(4):1001-1006. PMID: 30968248. Ziff JL et al. Mutations and altered expression of SERPINF1 in patients with familial otosclerosis. Hum Mol Genet. 2016 Jun 15;25(12):2393-2403. PMID: 27056980.

GeneDx
Classification: Uncertain significance. Last evaluated: 2019-04-25. Review status: criteria provided, single submitter. Criteria: GeneDx Variant Classification Process June 2021. Collection method: clinical testing. Allele origin: germline. Affected: yes.
Comment: In silico analysis, which includes protein predictors and evolutionary conservation, supports that this variant does not alter protein structure/function; This variant is associated with the following publications: (PMID: 27056980, 30968248)

Illumina Laboratory Services, Illumina
Classification: Uncertain significance for Osteogenesis imperfecta type 6. Last evaluated: 2017-07-03. Review status: criteria provided, single submitter. Criteria: ICSL Variant Classification Criteria 13 December 2019. Collection method: clinical testing. Allele origin: germline.
Comment: This variant was observed as part of a predisposition screen in an ostensibly healthy population. A literature search was performed for the gene, cDNA change, and amino acid change (where applicable). Publications were found based on this search. However, the evidence from the literature, in combination with allele frequency data from public databases where available, was not sufficient to rule this variant in or out of causing disease. Therefore, this variant is classified as a variant of unknown significance.

Literature cited by the submitters: PubMed 27056980 (cited by Illumina Laboratory Services, Illumina).

NM_002615.7(SERPINF1):c.392C>A (p.Ala131Asp)

Gene: SERPINF1 (serpin family F member 1; plus strand). Cytogenetic location: 17p13.3.
Variant type: single nucleotide variant.
Coding change: c.392C>A on transcript NM_002615.7 (MANE Select); coding-DNA position 392, C replaced by A.
Protein change: p.Ala131Asp; replaces alanine 131 with aspartic acid.
Molecular consequence: missense variant. On other transcripts: 5 prime UTR variant (1).
Genome position (GRCh38, 1-based): chr17:1,771,137, C>A. VCF-style: chr17-1771137-C-A. GRCh37 (hg19) VCF-style: chr17-1674431-C-A.
Other names: c.392C>A, p.Ala131Asp (NM_001329903.2); c.-170C>A (NM_001329904.2); short protein forms A131D.
Identifiers: ClinVar variation 891887 (VCV000891887.12), dbSNP rs148005190, ClinGen allele CA8274665.